The following is an entry in ClinVar:

NM_004700.4(KCNQ4):c.1179C>T (p.Gly393=)

Gene: KCNQ4 (potassium voltage-gated channel subfamily Q member 4; plus strand). Cytogenetic location: 1p34.2.
Variant type: single nucleotide variant.
Coding change: c.1179C>T on transcript NM_004700.4 (MANE Select); coding-DNA position 1179, C replaced by T.
Protein change: p.Gly393=; no amino-acid change (glycine 393 retained).
Molecular consequence: synonymous variant. On other transcripts: intron variant (1).
Genome position (GRCh38, 1-based): chr1:40,824,145, C>T. VCF-style: chr1-40824145-C-T. GRCh37 (hg19) VCF-style: chr1-41289817-C-T.
Other names: c.1130+1743C>T (NM_172163.3).
Identifiers: ClinVar variation 505893 (VCV000505893.5), dbSNP rs1431582898, ClinGen allele CA417358307.

ClinVar aggregate classification (germline): Likely benign. Review status: criteria provided, multiple submitters, no conflicts (2 of 4 stars). 2 submissions from 2 submitters: Likely benign (2). Last evaluated 2025-09-09.

Conditions:
KCNQ4-related disorder. Also called: KCNQ4-related condition.

Allele frequency attached by ClinVar (database versions not stated): gnomAD exomes below 0.00001 and 0.00001; TOPMed 0.00001.

Submissions (2):

PreventionGenetics, part of Exact Sciences
Classification: Likely benign for KCNQ4-related condition. Last evaluated: 2025-09-09. Review status: criteria provided, single submitter. Criteria: ACMG Guidelines, 2015. Collection method: clinical testing. Allele origin: germline.
Comment: This variant is classified as likely benign based on ACMG/AMP sequence variant interpretation guidelines (Richards et al. 2015 PMID: 25741868, with internal and published modifications).

Laboratory for Molecular Medicine, Mass General Brigham Personalized Medicine
Classification: Likely benign. Last evaluated: 2017-07-27. Review status: criteria provided, single submitter. Criteria: LMM Criteria. Collection method: clinical testing. Allele origin: germline. Observed: 1 variant allele.
Comment: p.Gly393Gly in exon 9 of KCNQ4: This variant is not expected to have clinical si gnificance because it does not alter an amino acid residue and is not located wi thin the splice consensus sequence. It has been identified in 1/26160 Latino chr omosomes by the Genome Aggregation Database (gnomAD).